The following is an entry in ClinVar:

ClinVar aggregate classification (germline): Uncertain significance. Review status: criteria provided, multiple submitters, no conflicts (2 of 4 stars). 2 submissions from 2 submitters: Uncertain significance (2). Last evaluated 2025-12-19.

Conditions:
Inborn genetic diseases. Identifiers: MedGen C0950123, MeSH D030342.
Baller-Gerold syndrome (BGS). Also called: CRANIOSYNOSTOSIS WITH RADIAL DEFECTS. Identifiers: Orphanet 1225, MedGen C0265308, MONDO:0009039, OMIM 218600.

Submissions (2):

Labcorp Genetics (formerly Invitae), Labcorp
Classification: Uncertain significance for Baller-Gerold syndrome. Last evaluated: 2025-12-19. Review status: criteria provided, single submitter. Criteria: Invitae Variant Classification Sherloc (09022015). Collection method: clinical testing. Allele origin: germline.
Comment: This sequence change replaces proline, which is neutral and non-polar, with threonine, which is neutral and polar, at codon 671 of the RECQL4 protein (p.Pro671Thr). This variant is not present in population databases (gnomAD no frequency). This variant has not been reported in the literature in individuals affected with RECQL4-related conditions. ClinVar contains an entry for this variant (Variation ID: 1895468). Invitae Evidence Modeling of protein sequence and biophysical properties (such as structural, functional, and spatial information, amino acid conservation, physicochemical variation, residue mobility, and thermodynamic stability) indicates that this missense variant is expected to disrupt RECQL4 protein function with a positive predictive value of 80%. In summary, the available evidence is currently insufficient to determine the role of this variant in disease. Therefore, it has been classified as a Variant of Uncertain Significance.

Ambry Genetics
Classification: Uncertain significance for Inborn genetic diseases. Last evaluated: 2025-06-20. Review status: criteria provided, single submitter. Criteria: Ambry Variant Classification Scheme 2023. Collection method: clinical testing. Allele origin: germline.
Comment: The p.P671T variant (also known as c.2011C>A), located in coding exon 12 of the RECQL4 gene, results from a C to A substitution at nucleotide position 2011. The proline at codon 671 is replaced by threonine, an amino acid with highly similar properties. This amino acid position is conserved. In addition, this alteration is predicted to be deleterious by in silico analysis. Based on the available evidence, the clinical significance of this variant remains unclear.

NM_004260.4(RECQL4):c.2011C>A (p.Pro671Thr)

Gene: RECQL4 (RecQ like helicase 4; minus strand). Cytogenetic location: 8q24.3.
Variant type: single nucleotide variant.
Coding change: c.2011C>A on transcript NM_004260.4 (MANE Select); coding-DNA position 2011, C replaced by A.
Protein change: p.Pro671Thr; replaces proline 671 with threonine.
Molecular consequence: missense variant.
Genome position (GRCh38, 1-based): chr8:144,513,975, G>T on the plus strand (C>A on the coding strand, the complement: RECQL4 is on the minus strand). VCF-style: chr8-144513975-G-T. GRCh37 (hg19) VCF-style: chr8-145739359-G-T.
Other names: c.940C>A, p.Pro314Thr (NM_001413040.1, NM_001413021.1, NM_001413022.1 and 6 more transcripts); c.874C>A, p.Pro292Thr (NM_001413041.1, NM_001413027.1, NM_001413030.1 and 1 more transcripts); c.910C>A, p.Pro304Thr (NM_001413042.1); c.544C>A, p.Pro182Thr (NM_001413043.1); c.1915C>A, p.Pro639Thr (NM_001413017.1, NM_001413020.1); c.2011C>A, p.Pro671Thr (NM_001413018.1, NM_001413019.1, NM_001413036.1); c.1882C>A, p.Pro628Thr (NM_001413025.1); c.1660C>A, p.Pro554Thr (NM_001413029.1); and 5 more; short protein forms P314T, P554T, P248T, P304T, P639T, P661T, P182T, P627T.
Identifiers: ClinVar variation 1895468 (VCV001895468.6), dbSNP rs1256215770, ClinGen allele CA372680312.